The following is an entry in ClinVar:

ClinVar aggregate classification (germline): Uncertain significance. Review status: criteria provided, multiple submitters, no conflicts (2 of 4 stars). 3 submissions from 3 submitters: Uncertain significance (3). Last evaluated 2025-06-09.

Conditions:
Cardiovascular phenotype. Identifiers: MedGen CN230736.
Hypertrophic cardiomyopathy. Also called: HYPERTROPHIC MYOCARDIOPATHY. Identifiers: Orphanet 217569, MedGen C0007194, MeSH D002312, MONDO:0005045, HP:0001639.
Cardiomyopathy (CMYO). Also called: Cardiomyopathies. Identifiers: Orphanet 167848, MedGen C0878544, MONDO:0004994, HP:0001638. Inheritance: Various modes of inheritance.

Allele frequency attached by ClinVar (database versions not stated): gnomAD exomes below 0.00001; gnomAD 0.00001.
gnomAD v4.1: 1 of 1,511,552 alleles (0.000066%); highest among the groups gnomAD compares: Admixed American, 0.0028%; no homozygotes.

Submissions (3):

Color Diagnostics, LLC DBA Color Health
Classification: Uncertain significance for Cardiomyopathy. Last evaluated: 2025-06-09. Review status: criteria provided, single submitter. Criteria: ACMG Guidelines, 2015. Collection method: clinical testing. Allele origin: germline.
Comment: This missense variant replaces alanine with valine at codon 105 of the MYBPC3 protein. Computational prediction suggests that this variant may not impact protein structure and function. To our knowledge, functional studies have not been reported for this variant. This variant has not been reported in individuals affected with MYBPC3-related disorders in the literature. This variant has not been identified in the general population by the Genome Aggregation Database (gnomAD). The available evidence is insufficient to determine the role of this variant in disease conclusively. Therefore, this variant is classified as a Variant of Uncertain Significance.

Labcorp Genetics (formerly Invitae), Labcorp
Classification: Uncertain significance for Hypertrophic cardiomyopathy. Last evaluated: 2023-12-06. Review status: criteria provided, single submitter. Criteria: Invitae Variant Classification Sherloc (09022015). Collection method: clinical testing. Allele origin: germline.
Comment: This sequence change replaces alanine, which is neutral and non-polar, with valine, which is neutral and non-polar, at codon 105 of the MYBPC3 protein (p.Ala105Val). This variant is not present in population databases (gnomAD no frequency). This variant has not been reported in the literature in individuals affected with MYBPC3-related conditions. ClinVar contains an entry for this variant (Variation ID: 647882). An algorithm developed to predict the effect of missense changes on protein structure and function (PolyPhen-2) suggests that this variant is likely to be tolerated. In summary, the available evidence is currently insufficient to determine the role of this variant in disease. Therefore, it has been classified as a Variant of Uncertain Significance.

Ambry Genetics
Classification: Uncertain significance for Cardiovascular phenotype. Last evaluated: 2021-09-26. Review status: criteria provided, single submitter. Criteria: Ambry Variant Classification Scheme 2023. Collection method: clinical testing. Allele origin: germline.
Comment: The p.A105V variant (also known as c.314C>T), located in coding exon 3 of the MYBPC3 gene, results from a C to T substitution at nucleotide position 314. The alanine at codon 105 is replaced by valine, an amino acid with similar properties. This amino acid position is conserved. In addition, this alteration is predicted to be tolerated by in silico analysis. Since supporting evidence is limited at this time, the clinical significance of this alteration remains unclear.

NM_000256.3(MYBPC3):c.314C>T (p.Ala105Val)

Gene: MYBPC3 (myosin binding protein C3; minus strand). Cytogenetic location: 11p11.2.
Variant type: single nucleotide variant.
Coding change: c.314C>T on transcript NM_000256.3 (MANE Select); coding-DNA position 314, C replaced by T.
Protein change: p.Ala105Val; replaces alanine 105 with valine.
Molecular consequence: missense variant.
Genome position (GRCh38, 1-based): chr11:47,350,594, G>A on the plus strand (C>T on the coding strand, the complement: MYBPC3 is on the minus strand). VCF-style: chr11-47350594-G-A. GRCh37 (hg19) VCF-style: chr11-47372145-G-A.
Other names: c.314C>T, p.Ala105Val (LRG_386t1); short protein forms A105V.
Identifiers: ClinVar variation 647882 (VCV000647882.10), dbSNP rs1595850245, ClinGen allele CA380341050.
Genomic context (GRCh38, chr11:47,350,594, plus strand): 5'-GCGGCTGGGGCCGGGGCTTCTCCAGGGGCTCCAGTGGCCTCAGCAGGGGCAGGGGCAGGG[G>A]CCAGCATGGGCTCTGCCTTCTCTGGAGGGGATCAGATGGGAGTCGTGGTGCAGCCACTAA-3'
Protein context (NP_000247.2, residues 95-115): IEAEKAEPML[Ala105Val]PAPAPAEATG